The following is an entry in ClinVar:

ClinVar aggregate classification (germline): Likely benign (1 of 4 stars; one submission).

Submission:

CeGaT Center for Human Genetics Tuebingen
Classification: Likely benign. Last evaluated: 2025-03-01. Review status: criteria provided, single submitter. Criteria: CeGaT Center For Human Genetics Tuebingen Variant Classification Criteria Version 2. Collection method: clinical testing. Allele origin: germline. Affected: yes. Observed: 1 variant allele.
Comment: KRTAP5-7: BP4, BP7

NM_001012503.2(KRTAP5-7):c.195A>G (p.Gly65=)

Gene: KRTAP5-7 (keratin associated protein 5-7; plus strand). Cytogenetic location: 11q13.4.
Variant type: single nucleotide variant.
Coding change: c.195A>G on transcript NM_001012503.2 (MANE Select); coding-DNA position 195, A replaced by G.
Protein change: p.Gly65=; no amino-acid change (glycine 65 retained).
Molecular consequence: synonymous variant.
Genome position (GRCh38, 1-based): chr11:71,527,495, A>G. VCF-style: chr11-71527495-A-G. GRCh37 (hg19) VCF-style: chr11-71238541-A-G.
Identifiers: ClinVar variation 3777844 (VCV003777844.7).